The following is an entry in ClinVar:

NM_024408.4(NOTCH2):c.1027G>C (p.Ala343Pro)

Gene: NOTCH2 (notch receptor 2; minus strand). Cytogenetic location: 1p12.
Variant type: single nucleotide variant.
Coding change: c.1027G>C on transcript NM_024408.4 (MANE Select); coding-DNA position 1027, G replaced by C.
Protein change: p.Ala343Pro; replaces alanine 343 with proline.
Molecular consequence: missense variant.
Genome position (GRCh38, 1-based): chr1:119,969,592, C>G on the plus strand (G>C on the coding strand, the complement: NOTCH2 is on the minus strand). VCF-style: chr1-119969592-C-G. GRCh37 (hg19) VCF-style: chr1-120512215-C-G.
Other names: c.1027G>C, p.Ala343Pro (NM_001200001.2); short protein forms A343P.
Identifiers: ClinVar variation 2693263 (VCV002693263.3), dbSNP rs781931665, ClinGen allele CA1040633.

ClinVar aggregate classification (germline): Uncertain significance (1 of 4 stars; one submission).

Conditions:
Hajdu-Cheney syndrome (HJCYS). Also called: Acroosteolysis dominant type; ACROOSTEOLYSIS WITH OSTEOPOROSIS AND CHANGES IN SKULL AND MANDIBLE; SERPENTINE FIBULA-POLYCYSTIC KIDNEY SYNDROME. Identifiers: Orphanet 955, MedGen C0917715, MONDO:0007057, OMIM 102500.

Allele frequency attached by ClinVar (database versions not stated): gnomAD exomes below 0.00001; ExAC 0.00001.
gnomAD v4.1: 1 of 1,614,080 alleles (0.000062%); highest among the groups gnomAD compares: Admixed American, 0.0017%; no homozygotes.

Submission:

Labcorp Genetics (formerly Invitae), Labcorp
Classification: Uncertain significance for Hajdu-Cheney syndrome. Last evaluated: 2024-01-01. Review status: criteria provided, single submitter. Criteria: Invitae Variant Classification Sherloc (09022015). Collection method: clinical testing. Allele origin: germline.
Comment: This sequence change replaces alanine, which is neutral and non-polar, with proline, which is neutral and non-polar, at codon 343 of the NOTCH2 protein (p.Ala343Pro). This variant is present in population databases (rs781931665, gnomAD 0.003%). This variant has not been reported in the literature in individuals affected with NOTCH2-related conditions. An algorithm developed to predict the effect of missense changes on protein structure and function (PolyPhen-2) suggests that this variant is likely to be disruptive. In summary, the available evidence is currently insufficient to determine the role of this variant in disease. Therefore, it has been classified as a Variant of Uncertain Significance.